The following is an entry in ClinVar:

ClinVar aggregate classification (germline): Uncertain significance (1 of 4 stars; one submission).

Allele frequency attached by ClinVar (database versions not stated): gnomAD exomes below 0.00001; TOPMed below 0.00001; ExAC 0.00001; gnomAD 0.00001.
gnomAD v4.1: 2 of 1,614,024 alleles (0.00012%); highest among the groups gnomAD compares: Admixed American, 0.0033%; no homozygotes.

Submission:

Labcorp Genetics (formerly Invitae), Labcorp
Classification: Uncertain significance. Last evaluated: 2023-07-19. Review status: criteria provided, single submitter. Criteria: Invitae Variant Classification Sherloc (09022015). Collection method: clinical testing. Allele origin: germline.
Comment: In summary, the available evidence is currently insufficient to determine the role of this variant in disease. Therefore, it has been classified as a Variant of Uncertain Significance. Advanced modeling of protein sequence and biophysical properties (such as structural, functional, and spatial information, amino acid conservation, physicochemical variation, residue mobility, and thermodynamic stability) performed at Invitae indicates that this missense variant is not expected to disrupt FLNB protein function. This variant has not been reported in the literature in individuals affected with FLNB-related conditions. This variant is present in population databases (rs777589620, gnomAD 0.003%). This sequence change replaces threonine, which is neutral and polar, with serine, which is neutral and polar, at codon 2102 of the FLNB protein (p.Thr2102Ser).

NM_001457.4(FLNB):c.6304A>T (p.Thr2102Ser)

Gene: FLNB (filamin B; plus strand). Cytogenetic location: 3p14.3.
Variant type: single nucleotide variant.
Coding change: c.6304A>T on transcript NM_001457.4 (MANE Select); coding-DNA position 6304, A replaced by T.
Protein change: p.Thr2102Ser; replaces threonine 2102 with serine.
Molecular consequence: missense variant.
Genome position (GRCh38, 1-based): chr3:58,150,164, A>T. VCF-style: chr3-58150164-A-T. GRCh37 (hg19) VCF-style: chr3-58135891-A-T.
Other names: c.6397A>T, p.Thr2133Ser (NM_001164317.2); c.6271A>T, p.Thr2091Ser (NM_001164318.2); c.6232A>T, p.Thr2078Ser (NM_001164319.2); short protein forms T2091S, T2133S, T2078S, T2102S.
Identifiers: ClinVar variation 2695274 (VCV002695274.3), dbSNP rs777589620, ClinGen allele CA2469310.